The following is an entry in ClinVar:

ClinVar aggregate classification (germline): Uncertain significance (1 of 4 stars; one submission).

Allele frequency attached by ClinVar (database versions not stated): gnomAD exomes 0.00001; TOPMed 0.00003; gnomAD 0.00005.
gnomAD v4.1: 27 of 1,613,800 alleles (0.0017%); highest among the groups gnomAD compares: African/African-American, 0.004%; no homozygotes.

Submission:

Labcorp Genetics (formerly Invitae), Labcorp
Classification: Uncertain significance. Last evaluated: 2023-08-10. Review status: criteria provided, single submitter. Criteria: Invitae Variant Classification Sherloc (09022015). Collection method: clinical testing. Allele origin: germline.
Comment: ClinVar contains an entry for this variant (Variation ID: 2171625). In summary, the available evidence is currently insufficient to determine the role of this variant in disease. Therefore, it has been classified as a Variant of Uncertain Significance. An algorithm developed to predict the effect of missense changes on protein structure and function (PolyPhen-2) suggests that this variant is likely to be disruptive. This variant has not been reported in the literature in individuals affected with MYO18B-related conditions. This variant is present in population databases (no rsID available, gnomAD 0.008%). This sequence change replaces valine, which is neutral and non-polar, with aspartic acid, which is acidic and polar, at codon 1043 of the MYO18B protein (p.Val1043Asp).

NM_032608.7(MYO18B):c.3128T>A (p.Val1043Asp)

Gene: MYO18B (myosin XVIIIB; plus strand). Cytogenetic location: 22q12.1.
Variant type: single nucleotide variant.
Coding change: c.3128T>A on transcript NM_032608.7 (MANE Select); coding-DNA position 3128, T replaced by A.
Protein change: p.Val1043Asp; replaces valine 1043 with aspartic acid.
Molecular consequence: missense variant.
Genome position (GRCh38, 1-based): chr22:25,835,363, T>A. VCF-style: chr22-25835363-T-A. GRCh37 (hg19) VCF-style: chr22-26231330-T-A.
Other names: c.3131T>A, p.Val1044Asp (NM_001318245.2); short protein forms V1043D, V1044D.
Identifiers: ClinVar variation 2171625 (VCV002171625.4), dbSNP rs1045289630, ClinGen allele CA322796328.